The following is an entry in ClinVar:

ClinVar aggregate classification (germline): Benign. Review status: criteria provided, single submitter (1 of 4 stars). 2 submissions from 2 submitters: Benign (1). 1 of the submissions does not count toward it. Last evaluated 2024-12-17.

Conditions:
EP300-related disorder. Also called: EP300-related condition; EP300-related disorders.
Rubinstein-Taybi syndrome due to EP300 haploinsufficiency. Also called: EP300-Related Rubinstein-Taybi Syndrome; RUBINSTEIN-TAYBI SYNDROME 2. Identifiers: Orphanet 353284, Orphanet 783, MedGen C3150941, MONDO:0013364, OMIM 613684.

gnomAD v4.1: 32 of 1,614,172 alleles (0.002%); highest among the groups gnomAD compares: South Asian, 0.03%; 1 homozygote.

Submissions (2):

Labcorp Genetics (formerly Invitae), Labcorp
Classification: Benign for Rubinstein-Taybi syndrome due to EP300 haploinsufficiency. Last evaluated: 2024-12-17. Review status: criteria provided, single submitter. Criteria: Invitae Variant Classification Sherloc (09022015). Collection method: clinical testing. Allele origin: germline.

PreventionGenetics, part of Exact Sciences
Classification: Likely benign for EP300-related condition. Last evaluated: 2021-08-03. Review status: no assertion criteria provided. Collection method: clinical testing. Allele origin: germline. Not counted in ClinVar's aggregate classification.
Comment: This variant is classified as likely benign based on ACMG/AMP sequence variant interpretation guidelines (Richards et al. 2015 PMID: 25741868, with internal and published modifications).

NM_001429.4(EP300):c.5016A>G (p.Glu1672=)

Gene: EP300 (EP300 lysine acetyltransferase; plus strand). Cytogenetic location: 22q13.2.
Variant type: single nucleotide variant.
Coding change: c.5016A>G on transcript NM_001429.4 (MANE Select); coding-DNA position 5016, A replaced by G.
Protein change: p.Glu1672=; no amino-acid change (glutamic acid 1672 retained).
Molecular consequence: synonymous variant.
Genome position (GRCh38, 1-based): chr22:41,176,483, A>G. VCF-style: chr22-41176483-A-G. GRCh37 (hg19) VCF-style: chr22-41572487-A-G.
Other names: c.4938A>G, p.Glu1646= (NM_001362843.2).
Identifiers: ClinVar variation 3358076 (VCV003358076.3).